The following is an entry in ClinVar:

ClinVar aggregate classification (germline): Uncertain significance (1 of 4 stars; one submission).

Allele frequency attached by ClinVar (database versions not stated): gnomAD exomes below 0.00001; ExAC 0.00001; gnomAD 0.00001.
gnomAD v4.1: 9 of 1,613,992 alleles (0.00056%); highest among the groups gnomAD compares: South Asian, 0.0077%; no homozygotes.

Submission:

Labcorp Genetics (formerly Invitae), Labcorp
Classification: Uncertain significance. Last evaluated: 2025-11-28. Review status: criteria provided, single submitter. Criteria: Invitae Variant Classification Sherloc (09022015). Collection method: clinical testing. Allele origin: germline.
Comment: This sequence change replaces lysine, which is basic and polar, with glutamic acid, which is acidic and polar, at codon 227 of the A2ML1 protein (p.Lys227Glu). This variant is present in population databases (rs765561612, gnomAD 0.003%). This variant has not been reported in the literature in individuals affected with A2ML1-related conditions. ClinVar contains an entry for this variant (Variation ID: 1899336). An algorithm developed to predict the effect of missense changes on protein structure and function (PolyPhen-2) suggests that this variant is likely to be tolerated. In summary, the available evidence is currently insufficient to determine the role of this variant in disease. Therefore, it has been classified as a Variant of Uncertain Significance.

NM_144670.6(A2ML1):c.679A>G (p.Lys227Glu)

Gene: A2ML1 (alpha-2-macroglobulin like 1; plus strand). Cytogenetic location: 12p13.31.
Variant type: single nucleotide variant.
Coding change: c.679A>G on transcript NM_144670.6 (MANE Select); coding-DNA position 679, A replaced by G.
Protein change: p.Lys227Glu; replaces lysine 227 with glutamic acid.
Molecular consequence: missense variant.
Genome position (GRCh38, 1-based): chr12:8,836,290, A>G. VCF-style: chr12-8836290-A-G. GRCh37 (hg19) VCF-style: chr12-8988886-A-G.
Other names: short protein forms K227E.
Identifiers: ClinVar variation 1899336 (VCV001899336.5), dbSNP rs765561612, ClinGen allele CA6435392.